The following is an entry in ClinVar:

ClinVar aggregate classification (germline): Uncertain significance. Review status: criteria provided, multiple submitters, no conflicts (2 of 4 stars). 2 submissions from 2 submitters: Uncertain significance (2). Last evaluated 2025-05-12.

Conditions:
Long QT syndrome (LQTS). Identifiers: MedGen C0023976, MeSH D008133, MONDO:0002442. Disease mechanism: loss of function. Inheritance: Various modes of inheritance.

Submissions (2):

Labcorp Genetics (formerly Invitae), Labcorp
Classification: Uncertain significance for Long QT syndrome. Last evaluated: 2025-05-12. Review status: criteria provided, single submitter. Criteria: Invitae Variant Classification Sherloc (09022015). Collection method: clinical testing. Allele origin: germline.
Comment: This sequence change replaces isoleucine, which is neutral and non-polar, with valine, which is neutral and non-polar, at codon 263 of the KCNQ1 protein (p.Ile263Val). This variant is not present in population databases (gnomAD no frequency). This variant has not been reported in the literature in individuals affected with KCNQ1-related conditions. ClinVar contains an entry for this variant (Variation ID: 2181135). Invitae Evidence Modeling of protein sequence and biophysical properties (such as structural, functional, and spatial information, amino acid conservation, physicochemical variation, residue mobility, and thermodynamic stability) has been performed for this missense variant. However, the output from this modeling did not meet the statistical confidence thresholds required to predict the impact of this variant on KCNQ1 protein function. In summary, the available evidence is currently insufficient to determine the role of this variant in disease. Therefore, it has been classified as a Variant of Uncertain Significance.

GeneDx
Classification: Uncertain significance. Last evaluated: 2023-12-06. Review status: criteria provided, single submitter. Criteria: GeneDx Variant Classification Process June 2021. Collection method: clinical testing. Allele origin: germline. Affected: yes.
Comment: Not observed at significant frequency in large population cohorts (gnomAD); In silico analysis supports that this missense variant does not alter protein structure/function; Has not been previously published as pathogenic or benign to our knowledge; In silico analysis suggests this variant may impact gene splicing. In the absence of RNA/functional studies, the actual effect of this sequence change is unknown.

NM_000218.3(KCNQ1):c.787A>G (p.Ile263Val)

Gene: KCNQ1 (potassium voltage-gated channel subfamily Q member 1; plus strand). Cytogenetic location: 11p15.5.
Variant type: single nucleotide variant.
Coding change: c.787A>G on transcript NM_000218.3 (MANE Select); coding-DNA position 787, A replaced by G.
Protein change: p.Ile263Val; replaces isoleucine 263 with valine.
Molecular consequence: missense variant.
Genome position (GRCh38, 1-based): chr11:2,572,852, A>G. VCF-style: chr11-2572852-A-G. GRCh37 (hg19) VCF-style: chr11-2594082-A-G.
Other names: c.787A>G, p.Ile263Val (NM_001406836.1); c.517A>G, p.Ile173Val (NM_001406837.1); c.406A>G, p.Ile136Val (NM_181798.2); short protein forms I136V, I173V, I263V.
Identifiers: ClinVar variation 2181135 (VCV002181135.5), dbSNP rs2493673720, ClinGen allele CA379131265.